The following is an entry in ClinVar:

ClinVar aggregate classification (germline): Uncertain significance. Review status: criteria provided, multiple submitters, no conflicts (2 of 4 stars). 2 submissions from 2 submitters: Uncertain significance (2). Last evaluated 2026-02-24.

Conditions:
TUB-related disorder. Also called: TUB-related condition.

Allele frequency attached by ClinVar (database versions not stated): ExAC 0.00001; TOPMed 0.00001; gnomAD exomes 0.00002.
gnomAD v4.1: 33 of 1,614,162 alleles (0.002%); highest among the groups gnomAD compares: Non-Finnish European, 0.0024%; no homozygotes.

Submissions (2):

PreventionGenetics, part of Exact Sciences
Classification: Uncertain significance for TUB-related condition. Last evaluated: 2026-02-24. Review status: criteria provided, single submitter. Criteria: ACMG Guidelines, 2015. Collection method: clinical testing. Allele origin: germline.
Comment: The TUB c.1502G>A variant is predicted to result in the amino acid substitution p.Arg501His. To our knowledge, this variant has not been reported in the literature. This variant is reported in 0.0035% of alleles in individuals of European (Non-Finnish) descent in gnomAD. At this time, the clinical significance of this variant is uncertain due to the absence of conclusive functional and genetic evidence.

Labcorp Genetics (formerly Invitae), Labcorp
Classification: Uncertain significance. Last evaluated: 2025-03-17. Review status: criteria provided, single submitter. Criteria: Invitae Variant Classification Sherloc (09022015). Collection method: clinical testing. Allele origin: germline.
Comment: This sequence change replaces arginine, which is basic and polar, with histidine, which is basic and polar, at codon 501 of the TUB protein (p.Arg501His). This variant is present in population databases (rs747234368, gnomAD 0.004%). This variant has not been reported in the literature in individuals affected with TUB-related conditions. ClinVar contains an entry for this variant (Variation ID: 933313). An algorithm developed to predict the effect of missense changes on protein structure and function (PolyPhen-2) suggests that this variant is likely to be disruptive. In summary, the available evidence is currently insufficient to determine the role of this variant in disease. Therefore, it has been classified as a Variant of Uncertain Significance.

NM_177972.3(TUB):c.1337G>A (p.Arg446His)

Genes: RIC3 (RIC3 acetylcholine receptor chaperone; minus strand), TUB (TUB bipartite transcription factor; plus strand). Cytogenetic location: 11p15.4.
Variant type: single nucleotide variant.
Coding change: c.1337G>A on transcript NM_177972.3 (MANE Select); coding-DNA position 1337, G replaced by A.
Protein change: p.Arg446His; replaces arginine 446 with histidine.
Molecular consequence: missense variant.
Genome position (GRCh38, 1-based): chr11:8,100,947, G>A. VCF-style: chr11-8100947-G-A. GRCh37 (hg19) VCF-style: chr11-8122494-G-A.
Other names: c.1502G>A, p.Arg501His (NM_003320.5); short protein forms R446H, R501H.
Identifiers: ClinVar variation 933313 (VCV000933313.9), dbSNP rs747234368, ClinGen allele CA5871466.
Genomic context (GRCh38, chr11:8,100,947, plus strand): 5'-AAAACAAGACACCTGTCTGGAATGATGACACACAGTCCTATGTACTCAACTTCCATGGGC[G>A]CGTCACACAGGCCTCCGTGAAGAACTTCCAGATCATCCATGGCAATGACCGTGAGTGTTT-3'
Protein context (NP_813977.1, residues 436-456): TQSYVLNFHG[Arg446His]VTQASVKNFQ